The following is an entry in ClinVar:

ClinVar aggregate classification (germline): Likely benign (0 of 4 stars; one submission).

Conditions:
INPPL1-related disorder. Also called: INPPL1-related condition.

Allele frequency attached by ClinVar (database versions not stated): ExAC 0.00002.
gnomAD v4.1: 8 of 1,614,072 alleles (0.0005%); highest among the groups gnomAD compares: East Asian, 0.016%; no homozygotes.

Submission:

PreventionGenetics, part of Exact Sciences
Classification: Likely benign for INPPL1-related condition. Last evaluated: 2020-10-15. Review status: no assertion criteria provided. Collection method: clinical testing. Allele origin: germline.
Comment: This variant is classified as likely benign based on ACMG/AMP sequence variant interpretation guidelines (Richards et al. 2015 PMID: 25741868, with internal and published modifications).

NM_001567.4(INPPL1):c.1398C>A (p.Ile466=)

Gene: INPPL1 (inositol polyphosphate phosphatase like 1; plus strand). Cytogenetic location: 11q13.4.
Variant type: single nucleotide variant.
Coding change: c.1398C>A on transcript NM_001567.4 (MANE Select); coding-DNA position 1398, C replaced by A.
Protein change: p.Ile466=; no amino-acid change (isoleucine 466 retained).
Molecular consequence: synonymous variant.
Genome position (GRCh38, 1-based): chr11:72,231,090, C>A. VCF-style: chr11-72231090-C-A. GRCh37 (hg19) VCF-style: chr11-71942134-C-A.
Identifiers: ClinVar variation 3031613 (VCV003031613.2), dbSNP rs1555076407, ClinGen allele CA6170013.